The following is an entry in ClinVar:

ClinVar aggregate classification (germline): Uncertain significance (1 of 4 stars; one submission).

Conditions:
Hereditary cancer-predisposing syndrome. Also called: Hereditary neoplastic syndrome; Neoplastic Syndromes, Hereditary; Tumor predisposition; Hereditary Cancer Syndrome. Identifiers: Orphanet 140162, MedGen C0027672, MeSH D009386, MONDO:0015356.
Cardiovascular phenotype. Identifiers: MedGen CN230736.

gnomAD v4.1: 2 of 1,613,074 alleles (0.00012%); highest among the groups gnomAD compares: Non-Finnish European, 0.00017%; no homozygotes.

Submission:

Ambry Genetics
Classification: Uncertain significance for Cardiovascular phenotype; Hereditary cancer-predisposing syndrome. Last evaluated: 2024-12-12. Review status: criteria provided, single submitter. Criteria: Ambry Variant Classification Scheme 2023. Collection method: clinical testing. Allele origin: germline.
Comment: The p.A785P variant (also known as c.2353G>C), located in coding exon 20 of the LZTR1 gene, results from a G to C substitution at nucleotide position 2353. The alanine at codon 785 is replaced by proline, an amino acid with highly similar properties. This amino acid position is conserved. In addition, this alteration is predicted to be deleterious by in silico analysis. Based on the available evidence, the clinical significance of this variant remains unclear.

NM_006767.4(LZTR1):c.2353G>C (p.Ala785Pro)

Gene: LZTR1 (leucine zipper like post translational regulator 1; plus strand). Cytogenetic location: 22q11.21.
Variant type: single nucleotide variant.
Coding change: c.2353G>C on transcript NM_006767.4 (MANE Select); coding-DNA position 2353, G replaced by C.
Protein change: p.Ala785Pro; replaces alanine 785 with proline.
Molecular consequence: missense variant.
Genome position (GRCh38, 1-based): chr22:20,996,913, G>C. VCF-style: chr22-20996913-G-C. GRCh37 (hg19) VCF-style: chr22-21351202-G-C.
Other names: short protein forms A785P.
Identifiers: ClinVar variation 3869266 (VCV003869266.1).